The following is an entry in ClinVar:

ClinVar aggregate classification (germline): Uncertain significance (1 of 4 stars; one submission).

Conditions:
Vici syndrome (VICIS). Identifiers: Orphanet 1493, MedGen C1855772, MONDO:0009452, OMIM 242840.

Allele frequency attached by ClinVar (database versions not stated): gnomAD 0.00001; gnomAD exomes 0.00001; ExAC 0.00002.

Submission:

Labcorp Genetics (formerly Invitae), Labcorp
Classification: Uncertain significance for Vici syndrome. Last evaluated: 2024-12-18. Review status: criteria provided, single submitter. Criteria: Invitae Variant Classification Sherloc (09022015). Collection method: clinical testing. Allele origin: germline.
Comment: This sequence change replaces glutamine, which is neutral and polar, with arginine, which is basic and polar, at codon 1507 of the EPG5 protein (p.Gln1507Arg). This variant is present in population databases (rs764231107, gnomAD 0.02%). This variant has not been reported in the literature in individuals affected with EPG5-related conditions. ClinVar contains an entry for this variant (Variation ID: 2162583). Invitae Evidence Modeling of protein sequence and biophysical properties (such as structural, functional, and spatial information, amino acid conservation, physicochemical variation, residue mobility, and thermodynamic stability) indicates that this missense variant is not expected to disrupt EPG5 protein function with a negative predictive value of 80%. In summary, the available evidence is currently insufficient to determine the role of this variant in disease. Therefore, it has been classified as a Variant of Uncertain Significance.

NM_020964.3(EPG5):c.4520A>G (p.Gln1507Arg)

Gene: EPG5 (ectopic P-granules 5 autophagy tethering factor; minus strand). Cytogenetic location: 18q21.1.
Variant type: single nucleotide variant.
Coding change: c.4520A>G on transcript NM_020964.3 (MANE Select); coding-DNA position 4520, A replaced by G.
Protein change: p.Gln1507Arg; replaces glutamine 1507 with arginine.
Molecular consequence: missense variant.
Genome position (GRCh38, 1-based): chr18:45,901,122, T>C on the plus strand (A>G on the coding strand, the complement: EPG5 is on the minus strand). VCF-style: chr18-45901122-T-C. GRCh37 (hg19) VCF-style: chr18-43481087-T-C.
Other names: c.4520A>G, p.Gln1507Arg (NM_001410858.1, NM_001410859.1); short protein forms Q1507R.
Identifiers: ClinVar variation 2162583 (VCV002162583.3), dbSNP rs764231107, ClinGen allele CA8948833.